The following is an entry in ClinVar:

ClinVar aggregate classification (germline): Uncertain significance (1 of 4 stars; one submission).

Submission:

Labcorp Genetics (formerly Invitae), Labcorp
Classification: Uncertain significance. Last evaluated: 2025-01-07. Review status: criteria provided, single submitter. Criteria: Invitae Variant Classification Sherloc (09022015). Collection method: clinical testing. Allele origin: germline.
Comment: This sequence change replaces valine, which is neutral and non-polar, with leucine, which is neutral and non-polar, at codon 41 of the IRF4 protein (p.Val41Leu). This variant is not present in population databases (gnomAD no frequency). This variant has not been reported in the literature in individuals affected with IRF4-related conditions. An algorithm developed to predict the effect of missense changes on protein structure and function (PolyPhen-2) suggests that this variant is likely to be disruptive. In summary, the available evidence is currently insufficient to determine the role of this variant in disease. Therefore, it has been classified as a Variant of Uncertain Significance.

NM_002460.4(IRF4):c.121G>T (p.Val41Leu)

Gene: IRF4 (interferon regulatory factor 4; plus strand). Cytogenetic location: 6p25.3.
Variant type: single nucleotide variant.
Coding change: c.121G>T on transcript NM_002460.4 (MANE Select); coding-DNA position 121, G replaced by T.
Protein change: p.Val41Leu; replaces valine 41 with leucine.
Molecular consequence: missense variant. On other transcripts: non-coding transcript variant (1).
Genome position (GRCh38, 1-based): chr6:393,273, G>T. VCF-style: chr6-393273-G-T. GRCh37 (hg19) VCF-style: chr6-393273-G-T.
Other names: c.121G>T, p.Val41Leu (NM_001195286.2); short protein forms V41L.
Identifiers: ClinVar variation 3728577 (VCV003728577.2).
Genomic context (GRCh38, chr6:393,273, plus strand): 5'-AACGGGAAGCTCCGCCAGTGGCTGATCGACCAGATCGACAGCGGCAAGTACCCCGGGCTG[G>T]TGTGGGAGAACGAGGAGAAGAGCATCTTCCGCATCCCCTGGAAGCACGCGGGCAAGCAGG-3'
Protein context (NP_002451.2, residues 31-51): QIDSGKYPGL[Val41Leu]WENEEKSIFR